The following is an entry in ClinVar:

NM_003718.5(CDK13):c.322G>C (p.Gly108Arg)

Genes: CDK13 (cyclin dependent kinase 13; plus strand), LOC129998292 (ATAC-STARR-seq lymphoblastoid silent region 18115; plus strand). Cytogenetic location: 7p14.1.
Variant type: single nucleotide variant.
Coding change: c.322G>C on transcript NM_003718.5 (MANE Select); coding-DNA position 322, G replaced by C.
Protein change: p.Gly108Arg; replaces glycine 108 with arginine.
Molecular consequence: missense variant.
Genome position (GRCh38, 1-based): chr7:39,950,963, G>C. VCF-style: chr7-39950963-G-C. GRCh37 (hg19) VCF-style: chr7-39990562-G-C.
Other names: c.322G>C, p.Gly108Arg (NM_031267.4); short protein forms G108R.
Identifiers: ClinVar variation 3378326 (VCV003378326.1).

ClinVar aggregate classification (germline): Uncertain significance (1 of 4 stars; one submission).

Submission:

GeneDx
Classification: Uncertain significance. Last evaluated: 2024-05-15. Review status: criteria provided, single submitter. Criteria: GeneDx Variant Classification Process June 2021. Collection method: clinical testing. Allele origin: germline. Affected: yes.
Comment: Not observed at significant frequency in large population cohorts (gnomAD); In silico analysis indicates that this missense variant does not alter protein structure/function; Has not been previously published as pathogenic or benign to our knowledge